The following continues an entry in ClinVar:

NM_002834.5(PTPN11):c.1529A>G (p.Gln510Arg)

Gene: PTPN11. ClinVar aggregate classification (germline): Pathogenic/Likely pathogenic. Pathogenic (14); Likely pathogenic (2). ClinVar aggregate classification (somatic clinical impact): Tier I - Strong.

Submissions 18 to 19 of 19:

PreventionGenetics, part of Exact Sciences
Classification: Pathogenic for PTPN11-related condition. Last evaluated: 2024-09-03. Review status: no assertion criteria provided. Collection method: clinical testing. Allele origin: germline. Not counted in ClinVar's aggregate classification.
Comment: The PTPN11 c.1529A>G variant is predicted to result in the amino acid substitution p.Gln510Arg. This variant has been reported in multiple individuals with Noonan syndrome (Bertola et al. 2005. PubMed ID: 15948193; Ezquieta et al. 2012. PubMed ID: 22465605; Carcavilla et al. 2013. PubMed ID: 24775816; Atik et al. 2016. PubMed ID: 26817465; Gao et al. 2020. PubMed ID: 32737134; Swarts et al. 2022. PubMed ID: 35979676). In at least some individuals, this variant has arisen de novo (Gao et al. 2020. PubMed ID: 32737134; Swarts et al. 2022. PubMed ID: 35979676). At least one individual developed multiple lentigines upon follow up (Carcavilla et al. 2013. PubMed ID: 24775816). This variant has also been reported in a fetus with cystic hygroma (Leach et al. 2018. PubMed ID: 29907801), as a de novo variant in an individual with megalencephaly-capillary malformation syndrome (Döcker et al. 2014. PubMed ID: 24939587), and as a germline variant in an individual with a Ewing sarcoma (Brohl et al. 2017. PubMed ID: 28125078). Additionally, different nucleotide substitutions affecting the same amino acid (p.Gln510Glu, p.Gln510Pro, p.Gln510His) have been reported in individuals with Noonan syndrome or Noonan syndrome with multiple lentigines (see for example, Keren et al. 2004. PubMed ID: 15520399; Wakabayashi et al. 2011. PubMed ID: 21910226). This variant is reported in 0.0029% of alleles in individuals of Latino descent in gnomAD and is reported as pathogenic and likely pathogenic in ClinVar. This variant is interpreted as pathogenic.

OMIM
Classification: Pathogenic for NOONAN SYNDROME. Last evaluated: 2005-07-30. Review status: no assertion criteria provided. Collection method: literature only. Allele origin: germline. Not counted in ClinVar's aggregate classification.

Literature cited by the submitters: PubMed 24939587 (cited by 3 submitters); PubMed 37302266 (cited by Dasa); PubMed 35979676 (cited by Dasa and Ambry Genetics); PubMed 26817465 (cited by 5 submitters); PubMed 34704406 (cited by Variantyx, Inc.); PubMed 38515811 (cited by Variantyx, Inc.); PubMed 15889278 (cited by Variantyx, Inc. and Ambry Genetics); PubMed 15948193 (cited by 5 submitters); PubMed 24775816 (cited by 3 submitters); PubMed 15520399 (cited by Labcorp Genetics (formerly Invitae), Labcorp); PubMed 15690106 (cited by Labcorp Genetics (formerly Invitae), Labcorp); PubMed 19582499 (cited by Labcorp Genetics (formerly Invitae), Labcorp); PubMed 21910226 (cited by Ambry Genetics); PubMed 22465605 (cited by Ambry Genetics and Women's Health and Genetics/Laboratory Corporation of America, LabCorp); PubMed 30732632 (cited by Ambry Genetics); PubMed 30919686 (cited by Ambry Genetics and Victorian Clinical Genetics Services, Murdoch Childrens Research Institute); PubMed 31560489 (cited by Ambry Genetics); PubMed 33318624 (cited by Ambry Genetics); PubMed 35248088 (cited by Ambry Genetics); PubMed 22058153 (cited by Institute for Genomic Medicine (IGM) Clinical Laboratory, Nationwide Children's Hospital); PubMed 21803945 (cited by Institute for Genomic Medicine (IGM) Clinical Laboratory, Nationwide Children's Hospital); PubMed 24436047 (cited by Institute for Genomic Medicine (IGM) Clinical Laboratory, Nationwide Children's Hospital); PubMed 34166060 (cited by Institute for Genomic Medicine (IGM) Clinical Laboratory, Nationwide Children's Hospital); PubMed 26138366 (cited by Institute for Genomic Medicine (IGM) Clinical Laboratory, Nationwide Children's Hospital); PubMed 16518851 (cited by Institute for Genomic Medicine (IGM) Clinical Laboratory, Nationwide Children's Hospital); PubMed 19681119 (cited by Institute for Genomic Medicine (IGM) Clinical Laboratory, Nationwide Children's Hospital); PubMed 22142829 (cited by Institute for Genomic Medicine (IGM) Clinical Laboratory, Nationwide Children's Hospital); PubMed 11992261 (cited by Victorian Clinical Genetics Services, Murdoch Childrens Research Institute); PubMed 21533187 (cited by Victorian Clinical Genetics Services, Murdoch Childrens Research Institute); PubMed 24935154 (cited by Victorian Clinical Genetics Services, Murdoch Childrens Research Institute); PubMed 23312806 (cited by Women's Health and Genetics/Laboratory Corporation of America, LabCorp); PubMed 24150203 (cited by Women's Health and Genetics/Laboratory Corporation of America, LabCorp); PubMed 28125078 (cited by Women's Health and Genetics/Laboratory Corporation of America, LabCorp).